The following is an entry in ClinVar:

ClinVar aggregate classification (germline): Uncertain significance (1 of 4 stars; one submission).

Conditions:
Encephalopathy, acute, infection-induced (herpes-specific), susceptibility to, 1. Also called: Herpes simplex encephalitis, susceptibility to, 1. Identifiers: Orphanet 1930, MedGen C2750180, MONDO:0024563, OMIM 610551.

Submission:

Labcorp Genetics (formerly Invitae), Labcorp
Classification: Uncertain significance for Encephalopathy, acute, infection-induced (herpes-specific), susceptibility to, 1. Last evaluated: 2026-01-08. Review status: criteria provided, single submitter. Criteria: Invitae Variant Classification Sherloc (09022015). Collection method: clinical testing. Allele origin: germline.
Comment: This sequence change replaces proline, which is neutral and non-polar, with histidine, which is basic and polar, at codon 554 of the TLR3 protein (p.Pro554His). This variant is not present in population databases (gnomAD no frequency). This variant has not been reported in the literature in individuals affected with TLR3-related conditions. An algorithm developed to predict the effect of missense changes on protein structure and function (PolyPhen-2) suggests that this variant is likely to be disruptive. In summary, the available evidence is currently insufficient to determine the role of this variant in disease. Therefore, it has been classified as a Variant of Uncertain Significance.

NM_003265.3(TLR3):c.1661C>A (p.Pro554His)

Gene: TLR3 (toll like receptor 3; plus strand). Cytogenetic location: 4q35.1.
Variant type: single nucleotide variant.
Coding change: c.1661C>A on transcript NM_003265.3 (MANE Select); coding-DNA position 1661, C replaced by A.
Protein change: p.Pro554His; replaces proline 554 with histidine.
Molecular consequence: missense variant.
Genome position (GRCh38, 1-based): chr4:186,083,347, C>A. VCF-style: chr4-186083347-C-A. GRCh37 (hg19) VCF-style: chr4-187004501-C-A.
Other names: short protein forms P554H.
Identifiers: ClinVar variation 4734933 (VCV004734933.1).